The following is an entry in ClinVar:

NM_013336.4(SEC61A1):c.985T>C (p.Ser329Pro)

Genes: RUVBL1 (RuvB like AAA ATPase 1; minus strand), SEC61A1 (SEC61 translocon subunit alpha 1; plus strand). Cytogenetic location: 3q21.3.
Variant type: single nucleotide variant.
Coding change: c.985T>C on transcript NM_013336.4 (MANE Select); coding-DNA position 985, T replaced by C.
Protein change: p.Ser329Pro; replaces serine 329 with proline.
Molecular consequence: missense variant. On other transcripts: intron variant (1).
Genome position (GRCh38, 1-based): chr3:128,067,430, T>C. VCF-style: chr3-128067430-T-C. GRCh37 (hg19) VCF-style: chr3-127786273-T-C.
Other names: c.1003T>C, p.Ser335Pro (NM_001400328.1); c.826T>C, p.Ser276Pro (NM_001400329.1); c.940-2210A>G (NM_001319086.1); short protein forms S329P, S276P, S335P.
Identifiers: ClinVar variation 1364979 (VCV001364979.9), dbSNP rs1942014542, ClinGen allele CA354400299.
Genomic context (GRCh38, chr3:128,067,430, plus strand): 5'-CTAAAGTAAAATGAAGGAGCACTCACATGCGTTTGGTTTCTTCTTCCCCAGGACACGTCT[T>C]CTGGGGGCCCAGCACGTGCTTATCCAGTTGGTGGCCTTTGCTATTACCTGTCCCCTCCAG-3'
Protein context (NP_037468.1, residues 319-339): SLLGTWSDTS[Ser329Pro]GGPARAYPVG

ClinVar aggregate classification (germline): Uncertain significance (1 of 4 stars; one submission).

Allele frequency attached by ClinVar (database versions not stated): gnomAD exomes below 0.00001; TOPMed below 0.00001.
gnomAD v4.1: 2 of 1,611,828 alleles (0.00012%); highest among the groups gnomAD compares: Non-Finnish European, 0.00017%; no homozygotes.

Submission:

Labcorp Genetics (formerly Invitae), Labcorp
Classification: Uncertain significance. Last evaluated: 2023-01-04. Review status: criteria provided, single submitter. Criteria: Invitae Variant Classification Sherloc (09022015). Collection method: clinical testing. Allele origin: germline.
Comment: In summary, the available evidence is currently insufficient to determine the role of this variant in disease. Therefore, it has been classified as a Variant of Uncertain Significance. Algorithms developed to predict the effect of missense changes on protein structure and function (SIFT, PolyPhen-2, Align-GVGD) all suggest that this variant is likely to be tolerated. ClinVar contains an entry for this variant (Variation ID: 1364979). This variant has not been reported in the literature in individuals affected with SEC61A1-related conditions. This variant is not present in population databases (gnomAD no frequency). This sequence change replaces serine, which is neutral and polar, with proline, which is neutral and non-polar, at codon 329 of the SEC61A1 protein (p.Ser329Pro).